The following is an entry in ClinVar:

NM_152383.5(DIS3L2):c.443A>G (p.His148Arg)

Gene: DIS3L2 (DIS3 like 3'-5' exoribonuclease 2; plus strand). Cytogenetic location: 2q37.1.
Variant type: single nucleotide variant.
Coding change: c.443A>G on transcript NM_152383.5 (MANE Select); coding-DNA position 443, A replaced by G.
Protein change: p.His148Arg; replaces histidine 148 with arginine.
Molecular consequence: missense variant. On other transcripts: non-coding transcript variant (2).
Genome position (GRCh38, 1-based): chr2:232,087,563, A>G. VCF-style: chr2-232087563-A-G. GRCh37 (hg19) VCF-style: chr2-232952273-A-G.
Other names: c.443A>G, p.His148Arg (NM_001257281.2, NM_001257282.2); short protein forms H148R.
Identifiers: ClinVar variation 852930 (VCV000852930.7), dbSNP rs1696700508, ClinGen allele CA351154982.
Genomic context (GRCh38, chr2:232,087,563, plus strand): 5'-GCAATGACAAAGAAACAGAAGCTGCGTATGAATCAGATATCCCCGAGGAGCTCTGTGGAC[A>G]CCATCTCCCGCAACAGTCCCTGAAAAGCTATAATGACAGTCCTGATGTCATTGTAGAGGC-3'
Protein context (NP_689596.4, residues 138-158): ESDIPEELCG[His148Arg]HLPQQSLKSY

ClinVar aggregate classification (germline): Uncertain significance (1 of 4 stars; one submission).

Conditions:
Perlman syndrome (PRLMNS). Identifiers: Orphanet 2849, MedGen C0796113, MONDO:0009965, OMIM 267000.

Allele frequency attached by ClinVar (database versions not stated): gnomAD exomes below 0.00001; gnomAD 0.00001.

Submission:

Labcorp Genetics (formerly Invitae), Labcorp
Classification: Uncertain significance for Perlman syndrome. Last evaluated: 2024-10-07. Review status: criteria provided, single submitter. Criteria: Invitae Variant Classification Sherloc (09022015). Collection method: clinical testing. Allele origin: germline.
Comment: This sequence change replaces histidine, which is basic and polar, with arginine, which is basic and polar, at codon 148 of the DIS3L2 protein (p.His148Arg). This variant is not present in population databases (gnomAD no frequency). This variant has not been reported in the literature in individuals affected with DIS3L2-related conditions. ClinVar contains an entry for this variant (Variation ID: 852930). An algorithm developed to predict the effect of missense changes on protein structure and function outputs the following: PolyPhen-2: "Benign". The arginine amino acid residue is found in multiple mammalian species, which suggests that this missense change does not adversely affect protein function. In summary, the available evidence is currently insufficient to determine the role of this variant in disease. Therefore, it has been classified as a Variant of Uncertain Significance.